The following is an entry in ClinVar:

NM_001042545.2(LTBP4):c.1217G>A (p.Arg406His)

Gene: LTBP4 (latent transforming growth factor beta binding protein 4; plus strand). Cytogenetic location: 19q13.2.
Variant type: single nucleotide variant.
Coding change: c.1217G>A on transcript NM_001042545.2 (MANE Select); coding-DNA position 1217, G replaced by A.
Protein change: p.Arg406His; replaces arginine 406 with histidine.
Molecular consequence: missense variant.
Genome position (GRCh38, 1-based): chr19:40,608,280, G>A. VCF-style: chr19-40608280-G-A. GRCh37 (hg19) VCF-style: chr19-41114186-G-A.
Other names: c.1418G>A, p.Arg473His (NM_001042544.1); c.1307G>A, p.Arg436His (NM_003573.2); short protein forms R406H, R436H, R473H.
Identifiers: ClinVar variation 892793 (VCV000892793.9), dbSNP rs574587568, ClinGen allele CA9448223.

ClinVar aggregate classification (germline): Uncertain significance. Review status: criteria provided, multiple submitters, no conflicts (2 of 4 stars). 4 submissions from 4 submitters: Uncertain significance (4). Last evaluated 2024-01-29.

Conditions:
Inborn genetic diseases. Identifiers: MedGen C0950123, MeSH D030342.
Cutis laxa with severe pulmonary, gastrointestinal and urinary anomalies. Also called: URBAN-RIFKIN-DAVIS SYNDROME; Cutis laxa, autosomal recessive, type IC; LTBP4-Related Cutis Laxa. Identifiers: Orphanet 221145, MedGen C2750804, MONDO:0013170, OMIM 613177. Disease mechanism: loss of function.

Allele frequency attached by ClinVar (database versions not stated): TOPMed 0.00006; gnomAD 0.00008 and 0.00009; ExAC 0.00009; gnomAD exomes 0.00010; 1000 Genomes Project 0.00020; 1000 Genomes Project 30x 0.00031.
gnomAD v4.1: 92 of 1,613,812 alleles (0.0057%); highest among the groups gnomAD compares: East Asian, 0.15%; no homozygotes.

Submissions (4):

Ambry Genetics
Classification: Uncertain significance for Inborn genetic diseases. Last evaluated: 2024-01-29. Review status: criteria provided, single submitter. Criteria: Ambry Variant Classification Scheme 2023. Collection method: clinical testing. Allele origin: germline.

GeneDx
Classification: Uncertain significance. Last evaluated: 2020-07-30. Review status: criteria provided, single submitter. Criteria: GeneDx Variant Classification Process June 2021. Collection method: clinical testing. Allele origin: germline. Affected: yes.
Comment: In silico analysis, which includes protein predictors and evolutionary conservation, supports a deleterious effect; Has not been previously published as pathogenic or benign to our knowledge

Blueprint Genetics
Classification: Uncertain significance. Last evaluated: 2019-09-26. Review status: criteria provided, single submitter. Criteria: ACMG Guidelines, 2015. Collection method: clinical testing. Allele origin: germline.

Illumina Laboratory Services, Illumina
Classification: Uncertain significance for Cutis laxa with severe pulmonary, gastrointestinal and urinary anomalies. Last evaluated: 2018-01-12. Review status: criteria provided, single submitter. Criteria: ICSL Variant Classification Criteria 13 December 2019. Collection method: clinical testing. Allele origin: germline.